The following is an entry in ClinVar:

ClinVar aggregate classification (germline): Likely benign. Review status: criteria provided, multiple submitters, no conflicts (2 of 4 stars). 4 submissions from 4 submitters: Likely benign (4). Last evaluated 2025-10-29.

Conditions:
Cystic fibrosis (CF). Also called: MUCOVISCIDOSIS. Identifiers: Orphanet 586, MedGen C0010674, MONDO:0009061, OMIM 219700. Disease mechanism: loss of function.

Allele frequency attached by ClinVar (database versions not stated): TOPMed below 0.00001.
gnomAD v4.1: 1 of 1,613,614 alleles (0.000062%); no homozygotes.

Submissions (4):

Labcorp Genetics (formerly Invitae), Labcorp
Classification: Likely benign for Cystic fibrosis. Last evaluated: 2025-10-29. Review status: criteria provided, single submitter. Criteria: Invitae Variant Classification Sherloc (09022015). Collection method: clinical testing. Allele origin: germline.

Ambry Genetics
Classification: Likely benign for Cystic fibrosis. Last evaluated: 2024-12-11. Review status: criteria provided, single submitter. Criteria: Ambry Variant Classification Scheme 2023. Collection method: clinical testing. Allele origin: germline.

Blueprint Genetics
Classification: Likely benign. Last evaluated: 2024-10-28. Review status: criteria provided, single submitter. Criteria: ACMG Guidelines, 2015. Collection method: clinical testing. Allele origin: germline.

Women's Health and Genetics/Laboratory Corporation of America, LabCorp
Classification: Likely benign. Last evaluated: 2024-02-21. Review status: criteria provided, single submitter. Criteria: LabCorp Variant Classification Summary - May 2015. Collection method: clinical testing. Allele origin: germline.
Comment: Variant summary: CFTR c.53+17C>A alters a non-conserved nucleotide located at a position not widely known to affect splicing. Consensus agreement among computation tools predict no significant impact on normal splicing. However, these predictions have yet to be confirmed by functional studies. The variant was absent in 250034 control chromosomes. The available data on variant occurrences in the general population are insufficient to allow any conclusion about variant significance. To our knowledge, no occurrence of c.53+17C>A in individuals affected with Chronic Pancreatitis Risk and no experimental evidence demonstrating its impact on protein function have been reported. ClinVar contains an entry for this variant (Variation ID: 1377000). Based on the evidence outlined above, the variant was classified as likely benign.

NM_000492.4(CFTR):c.53+17C>A

Gene: CFTR (CF transmembrane conductance regulator; plus strand). Cytogenetic location: 7q31.2.
Variant type: single nucleotide variant.
Coding change: c.53+17C>A on transcript NM_000492.4 (MANE Select); 17 bases into the intron after coding-DNA position 53, C replaced by A.
Molecular consequence: intron variant.
Genome position (GRCh38, 1-based): chr7:117,480,164, C>A. VCF-style: chr7-117480164-C-A. GRCh37 (hg19) VCF-style: chr7-117120218-C-A.
Other names: c.53+17C>A (NM_000492.3).
Identifiers: ClinVar variation 1377000 (VCV001377000.12), dbSNP rs1797979411, ClinGen allele CA1737344886.